The following is an entry in ClinVar:

ClinVar aggregate classification (germline): Uncertain significance (1 of 4 stars; one submission).

Conditions:
Inborn genetic diseases. Identifiers: MedGen C0950123, MeSH D030342.

Submission:

Ambry Genetics
Classification: Uncertain significance for Inborn genetic diseases. Last evaluated: 2021-08-30. Review status: criteria provided, single submitter. Criteria: Ambry Variant Classification Scheme 2023. Collection method: clinical testing. Allele origin: germline.
Comment: The p.Q566K variant (also known as c.1696C>A), located in coding exon 20 of the LRSAM1 gene, results from a C to A substitution at nucleotide position 1696. The glutamine at codon 566 is replaced by lysine, an amino acid with similar properties. This amino acid position is conserved. In addition, this alteration is predicted to be tolerated by in silico analysis. Since supporting evidence is limited at this time, the clinical significance of this alteration remains unclear.

NM_001005373.4(LRSAM1):c.1696C>A (p.Gln566Lys)

Gene: LRSAM1 (leucine rich repeat and sterile alpha motif containing 1; plus strand). Cytogenetic location: 9q33.3.
Variant type: single nucleotide variant.
Coding change: c.1696C>A on transcript NM_001005373.4 (MANE Select); coding-DNA position 1696, C replaced by A.
Protein change: p.Gln566Lys; replaces glutamine 566 with lysine.
Molecular consequence: missense variant. On other transcripts: non-coding transcript variant (2), intron variant (1).
Genome position (GRCh38, 1-based): chr9:127,495,416, C>A. VCF-style: chr9-127495416-C-A. GRCh37 (hg19) VCF-style: chr9-130257695-C-A.
Other names: c.1696C>A, p.Gln566Lys (NM_001005374.4, NM_001384142.1, NM_138361.5); c.1615C>A, p.Gln539Lys (NM_001190723.3); c.907C>A, p.Gln303Lys (NM_001384144.1); c.1600-548C>A (NM_001384143.1); short protein forms Q539K, Q303K, Q566K.
Identifiers: ClinVar variation 1778227 (VCV001778227.2), dbSNP rs2539443000, ClinGen allele CA374935430.